The following is an entry in ClinVar:

ClinVar aggregate classification (germline): Uncertain significance (1 of 4 stars; one submission).

gnomAD v4.1: 1 of 1,614,202 alleles (0.000062%); no homozygotes.

Submission:

Labcorp Genetics (formerly Invitae), Labcorp
Classification: Uncertain significance. Last evaluated: 2025-11-25. Review status: criteria provided, single submitter. Criteria: Invitae Variant Classification Sherloc (09022015). Collection method: clinical testing. Allele origin: germline.
Comment: This sequence change replaces aspartic acid, which is acidic and polar, with glycine, which is neutral and non-polar, at codon 86 of the REST protein (p.Asp86Gly). This variant is not present in population databases (gnomAD no frequency). This variant has not been reported in the literature in individuals affected with REST-related conditions. An algorithm developed to predict the effect of missense changes on protein structure and function (PolyPhen-2) suggests that this variant is likely to be disruptive. In summary, the available evidence is currently insufficient to determine the role of this variant in disease. Therefore, it has been classified as a Variant of Uncertain Significance.

NM_005612.5(REST):c.257A>G (p.Asp86Gly)

Gene: REST (RE1 silencing transcription factor; plus strand). Cytogenetic location: 4q12.
Variant type: single nucleotide variant.
Coding change: c.257A>G on transcript NM_005612.5 (MANE Select); coding-DNA position 257, A replaced by G.
Protein change: p.Asp86Gly; replaces aspartic acid 86 with glycine.
Molecular consequence: missense variant.
Genome position (GRCh38, 1-based): chr4:56,910,895, A>G. VCF-style: chr4-56910895-A-G. GRCh37 (hg19) VCF-style: chr4-57777061-A-G.
Other names: c.257A>G, p.Asp86Gly (NM_001193508.2, NM_001363453.3, NM_001440532.1 and 1 more transcripts); short protein forms D86G.
Identifiers: ClinVar variation 4772262 (VCV004772262.1).